The following is an entry in ClinVar:

NM_000096.4(CP):c.901G>A (p.Gly301Arg)

Gene: CP (ceruloplasmin; minus strand). Cytogenetic location: 3q25.1.
Variant type: single nucleotide variant.
Coding change: c.901G>A on transcript NM_000096.4 (MANE Select); coding-DNA position 901, G replaced by A.
Protein change: p.Gly301Arg; replaces glycine 301 with arginine.
Molecular consequence: missense variant. On other transcripts: non-coding transcript variant (1).
Genome position (GRCh38, 1-based): chr3:149,207,498, C>T on the plus strand (G>A on the coding strand, the complement: CP is on the minus strand). VCF-style: chr3-149207498-C-T. GRCh37 (hg19) VCF-style: chr3-148925285-C-T.
Other names: short protein forms G301R.
Identifiers: ClinVar variation 1349305 (VCV001349305.8), dbSNP rs753356388, ClinGen allele CA2661203.

ClinVar aggregate classification (germline): Uncertain significance (1 of 4 stars; one submission).

Conditions:
Deficiency of ferroxidase (ACEP). Also called: NEURODEGENERATION WITH BRAIN IRON ACCUMULATION 10; Aceruloplasminemia; Deficiency of ceruloplasmin; Ceruloplasmin deficiency; Familial apoceruloplasmin deficiency; Hereditary ceruloplasmin deficiency. Identifiers: Orphanet 48818, MedGen C0878682, MONDO:0011426, OMIM 604290, HP:0025498.

Allele frequency attached by ClinVar (database versions not stated): gnomAD exomes below 0.00001 and 0.00001; gnomAD 0.00001; ExAC 0.00002.
gnomAD v4.1: 8 of 1,613,764 alleles (0.0005%); highest among the groups gnomAD compares: South Asian, 0.0011%; no homozygotes.

Submission:

Labcorp Genetics (formerly Invitae), Labcorp
Classification: Uncertain significance for Deficiency of ferroxidase. Last evaluated: 2020-11-19. Review status: criteria provided, single submitter. Criteria: Invitae Variant Classification Sherloc (09022015). Collection method: clinical testing. Allele origin: germline.
Comment: This variant is present in population databases (rs753356388, ExAC 0.02%). In summary, the available evidence is currently insufficient to determine the role of this variant in disease. Therefore, it has been classified as a Variant of Uncertain Significance. Algorithms developed to predict the effect of sequence changes on RNA splicing suggest that this variant may create or strengthen a splice site, but this prediction has not been confirmed by published transcriptional studies. Algorithms developed to predict the effect of missense changes on protein structure and function (SIFT, PolyPhen-2, Align-GVGD) all suggest that this variant is likely to be disruptive, but these predictions have not been confirmed by published functional studies and their clinical significance is uncertain. This variant has not been reported in the literature in individuals with CP-related conditions. This sequence change replaces glycine with arginine at codon 301 of the CP protein (p.Gly301Arg). The glycine residue is highly conserved and there is a moderate physicochemical difference between glycine and arginine.